The following is an entry in ClinVar:

ClinVar aggregate classification (germline): Pathogenic. Review status: criteria provided, multiple submitters, no conflicts (2 of 4 stars). 4 submissions from 4 submitters: Pathogenic (4). Last evaluated 2025-05-19.

Conditions:
Fanconi anemia (FA). Also called: Fanconi's anemia. Identifiers: Orphanet 84, MedGen C0015625, MeSH D005199, MONDO:0019391.
Fanconi anemia complementation group A (FANCA). Also called: Fanconi anemia, group A; FANCA-Related Fanconi Anemia. Identifiers: Orphanet 84, MedGen C3469521, MONDO:0009215, OMIM 227650.

gnomAD v4.1: 2 of 1,614,042 alleles (0.00012%); highest among the groups gnomAD compares: Non-Finnish European, 0.00017%; no homozygotes.

Submissions (4):

Labcorp Genetics (formerly Invitae), Labcorp
Classification: Pathogenic for Fanconi anemia. Last evaluated: 2025-05-19. Review status: criteria provided, single submitter. Criteria: Invitae Variant Classification Sherloc (09022015). Collection method: clinical testing. Allele origin: germline.
Comment: This sequence change creates a premature translational stop signal (p.Gln978*) in the FANCA gene. It is expected to result in an absent or disrupted protein product. Loss-of-function variants in FANCA are known to be pathogenic (PMID: 19367192). This variant is present in population databases (rs774146374, gnomAD 0.0009%). This premature translational stop signal has been observed in individual(s) with clinical features of Fanconi anemia (PMID: 24343878). ClinVar contains an entry for this variant (Variation ID: 2736384). Algorithms developed to predict the effect of sequence changes on RNA splicing suggest that this variant may disrupt the consensus splice site. For these reasons, this variant has been classified as Pathogenic.

Natera, Inc.
Classification: Pathogenic for Fanconi anemia. Last evaluated: 2024-04-26. Review status: criteria provided, single submitter. Criteria: Natera Variant Classification Schema (03/2026). Collection method: clinical testing. Allele origin: germline.
Comment: The c.2932C>T variant in FANCA is a nonsense variant predicted to introduce a stop codon at amino acid 978. This variant is expected to result in nonsense mediated decay, truncation, or a dysfunctional protein product. This variant is rare in the general population with a frequency below the threshold expected for the associated phenotype(s). This variant has been observed in one or more individuals affected with the associated recessive disease, as either homozygous or compound heterozygous with a second variant (PMID: 24584348). Given the available evidence, this variant is classified as Pathogenic.

Baylor Genetics
Classification: Pathogenic for Fanconi anemia complementation group A. Last evaluated: 2024-01-21. Review status: criteria provided, single submitter. Criteria: ACMG Guidelines, 2015. Collection method: clinical testing. Allele origin: unknown.

Fulgent Genetics
Classification: Pathogenic for Fanconi anemia complementation group A. Last evaluated: 2024-01-18. Review status: criteria provided, single submitter. Criteria: ACMG Guidelines, 2015. Collection method: clinical testing. Allele origin: germline.

Literature cited by the submitters: PubMed 19367192 (cited by Labcorp Genetics (formerly Invitae), Labcorp); PubMed 24343878 (cited by Labcorp Genetics (formerly Invitae), Labcorp); PubMed 24584348 (cited by Natera, Inc.).

NM_000135.4(FANCA):c.2932C>T (p.Gln978Ter)

Gene: FANCA (FA complementation group A; minus strand). Cytogenetic location: 16q24.3.
Variant type: single nucleotide variant.
Coding change: c.2932C>T on transcript NM_000135.4 (MANE Select); coding-DNA position 2932, C replaced by T.
Protein change: p.Gln978Ter; replaces glutamine 978 with a stop codon.
Molecular consequence: nonsense.
Genome position (GRCh38, 1-based): chr16:89,758,626, G>A on the plus strand (C>T on the coding strand, the complement: FANCA is on the minus strand). VCF-style: chr16-89758626-G-A. GRCh37 (hg19) VCF-style: chr16-89825034-G-A.
Other names: c.2932C>T (NM_000135.3); c.2932C>T, p.Gln978Ter (NM_001286167.3); short protein forms Q978*.
Identifiers: ClinVar variation 2736384 (VCV002736384.6), dbSNP rs774146374, ClinGen allele CA8251435.